The following is an entry in ClinVar:

NM_016188.5(ACTL6B):c.881A>G (p.Tyr294Cys)

Gene: ACTL6B (actin like 6B; minus strand). Cytogenetic location: 7q22.1.
Variant type: single nucleotide variant.
Coding change: c.881A>G on transcript NM_016188.5 (MANE Select); coding-DNA position 881, A replaced by G.
Protein change: p.Tyr294Cys; replaces tyrosine 294 with cysteine.
Molecular consequence: missense variant. On other transcripts: non-coding transcript variant (1).
Genome position (GRCh38, 1-based): chr7:100,647,026, T>C on the plus strand (A>G on the coding strand, the complement: ACTL6B is on the minus strand). VCF-style: chr7-100647026-T-C. GRCh37 (hg19) VCF-style: chr7-100244649-T-C.
Other names: short protein forms Y294C.
Identifiers: ClinVar variation 3392922 (VCV003392922.1).

ClinVar aggregate classification (germline): Uncertain significance (1 of 4 stars; one submission).

Submission:

GeneDx
Classification: Uncertain significance. Last evaluated: 2024-06-27. Review status: criteria provided, single submitter. Criteria: GeneDx Variant Classification Process June 2021. Collection method: clinical testing. Allele origin: germline. Affected: yes.
Comment: Not observed at significant frequency in large population cohorts (gnomAD); In silico analysis supports that this missense variant has a deleterious effect on protein structure/function; Has not been previously published as pathogenic or benign to our knowledge